The following is an entry in ClinVar:

NM_001267550.2(TTN):c.55235G>A (p.Trp18412Ter)

Genes: TTN (titin; minus strand), TTN-AS1 (TTN antisense RNA 1; plus strand). Cytogenetic location: 2q31.2.
Variant type: single nucleotide variant.
Coding change: c.55235G>A on transcript NM_001267550.2 (MANE Select); coding-DNA position 55235, G replaced by A.
Protein change: p.Trp18412Ter; replaces tryptophan 18412 with a stop codon.
Molecular consequence: nonsense.
Genome position (GRCh38, 1-based): chr2:178,602,036, C>T on the plus strand (G>A on the coding strand, the complement: TTN is on the minus strand). VCF-style: chr2-178602036-C-T. GRCh37 (hg19) VCF-style: chr2-179466763-C-T.
Other names: c.50312G>A, p.Trp16771Ter (NM_001256850.1); c.28040G>A, p.Trp9347Ter (NM_003319.4); c.47531G>A, p.Trp15844Ter (NM_133378.4); c.28415G>A, p.Trp9472Ter (NM_133432.3); c.28616G>A, p.Trp9539Ter (NM_133437.4); short protein forms W16771*, W9472*, W15844*, W9347*, W18412*, W9539*.
Identifiers: ClinVar variation 951258 (VCV000951258.10), dbSNP rs2053599652, ClinGen allele CA349543506.
Genomic context (GRCh38, chr2:178,602,036, plus strand): 5'-AAAGAGGAGAATGGTTATTTTCCTACCTTCATTGCTTTCTTTGCCTTTCCATCAAATTCC[C>T]AAGATGATTTTGGTGTTGGGCGTCCCTTGATGACAGCAGGAATCCTAATCTGTGAGCCAG-3'

ClinVar aggregate classification (germline): Likely pathogenic (1 of 4 stars; one submission).

Conditions:
Dilated cardiomyopathy 1G (CMD1G). Identifiers: Orphanet 154, MedGen C1858763, MONDO:0011400, OMIM 604145.
Autosomal recessive limb-girdle muscular dystrophy type 2J (LGMDR10). Also called: Limb-girdle muscular dystrophy, type 2J; MUSCULAR DYSTROPHY, LIMB-GIRDLE, AUTOSOMAL RECESSIVE 10. Identifiers: Orphanet 140922, MedGen C1837342, MONDO:0012127, OMIM 608807.

Submission:

Labcorp Genetics (formerly Invitae), Labcorp
Classification: Likely pathogenic for Dilated cardiomyopathy 1G; Autosomal recessive limb-girdle muscular dystrophy type 2J. Last evaluated: 2023-11-13. Review status: criteria provided, single submitter. Criteria: Invitae Variant Classification Sherloc (09022015). Collection method: clinical testing. Allele origin: germline.
Comment: This sequence change creates a premature translational stop signal (p.Trp18412*) in the TTN gene. While this is not anticipated to result in nonsense mediated decay, it is expected to create a truncated TTN protein. This variant is not present in population databases (gnomAD no frequency). This premature translational stop signal has been observed in individual(s) with clinical features of TTN-related conditions (PMID: 33820833). This variant is also known as c.50312G>A (p.Trp16771*). ClinVar contains an entry for this variant (Variation ID: 951258). This variant is located in the A band of TTN (PMID: 25589632). Truncating variants in this region are significantly overrepresented in patients affected with dilated cardiomyopathy (PMID: 25589632). Truncating variants in this region have also been reported in individuals affected with autosomal recessive centronuclear myopathy (PMID: 23975875). In summary, the currently available evidence indicates that the variant is pathogenic, but additional data are needed to prove that conclusively. Therefore, this variant has been classified as Likely Pathogenic.

Literature cited by the submitters: PubMed 33820833; PubMed 25589632; PubMed 23975875.